The following is an entry in ClinVar:

NM_000089.4(COL1A2):c.3159+6_3159+8del

Gene: COL1A2 (collagen type I alpha 2 chain; plus strand). Cytogenetic location: 7q21.3.
Variant type: Deletion.
Coding change: c.3159+6_3159+8del on transcript NM_000089.4 (MANE Select); bases 6 to 8 of the intron after coding-DNA position 3159, 3 bases deleted (TGG; older notation c.3159+6_3159+8delTGG).
Molecular consequence: intron variant.
Genome position (GRCh38, 1-based): chr7:94,427,067-94,427,069, TGG deleted; deleting any 3 consecutive bases within chr7:94,427,065-94,427,069 gives the same sequence; the c. name uses the placement nearest the transcript's 3' end. VCF-style (leftmost placement, unchanged base first): chr7-94427064-AGGT-A. GRCh37 (hg19) VCF-style: chr7-94056376-AGGT-A.
Identifiers: ClinVar variation 5007243 (VCV005007243.2).

ClinVar aggregate classification (germline): Uncertain significance (1 of 4 stars; one submission).

Conditions:
Ehlers-Danlos syndrome, cardiac valvular type. Identifiers: Orphanet 230851, MedGen C4303789, MONDO:0009159, OMIM 225320.
Osteogenesis imperfecta, perinatal lethal (OI2). Also called: OSTEOGENESIS IMPERFECTA, TYPE II; Osteogenesis imperfecta, dominant perinatal lethal; OI, TYPE II; OSTEOGENESIS IMPERFECTA CONGENITA; Osteogenesis imperfecta type 2; VROLIK TYPE OF OSTEOGENESIS IMPERFECTA. Identifiers: Orphanet 216804, MedGen C0268358, MONDO:0008147, OMIM 166210.
Osteogenesis imperfecta type III (OI3). Also called: Osteogenesis imperfecta type 3; OI type 3; Osteogenesis imperfecta, progressively deforming with normal sclerae; OI type III; Progressively Deforming Osteogenesis Imperfecta. Identifiers: Orphanet 216812, Orphanet 666, MedGen C0268362, MONDO:0009804, OMIM 259420.
Ehlers-Danlos syndrome, arthrochalasia type, 2. Also called: EHLERS-DANLOS SYNDROME, TYPE VIIB, AUTOSOMAL DOMINANT. Identifiers: MedGen CN293783, MONDO:0040501, OMIM 617821.
Osteogenesis imperfecta with normal sclerae, dominant form (OI4). Also called: OSTEOGENESIS IMPERFECTA WITH NORMAL SCLERAE; Osteogenesis imperfecta type 4; OSTEOGENESIS IMPERFECTA, TYPE IV, WITH DENTINOGENESIS IMPERFECTA; Osteogenesis Imperfecta Type IV; Common Variable Osteogenesis Imperfecta with Normal Sclerae. Identifiers: Orphanet 216820, Orphanet 666, MedGen C0268363, MONDO:0008148, OMIM 166220.
Combined osteogenesis imperfecta and Ehlers-Danlos syndrome 2. Also called: OIEDS SYNDROME 2. Identifiers: MedGen C5436847, MONDO:0030855, OMIM 619120.
Osteoporosis. Identifiers: MedGen C0029456, MONDO:0005298, OMIM 166710, HP:0000939.

Submission:

Juno Genomics, Hangzhou Juno Genomics, Inc
Classification: Uncertain significance for Osteoporosis; Combined osteogenesis imperfecta and Ehlers-Danlos syndrome 2; Ehlers-Danlos syndrome, arthrochalasia type, 2; Ehlers-Danlos syndrome, cardiac valvular type; Osteogenesis imperfecta, perinatal lethal; Osteogenesis imperfecta type III; Osteogenesis imperfecta with normal sclerae, dominant form. Review status: criteria provided, single submitter. Criteria: ACMG Guidelines, 2015. Collection method: clinical testing. Allele origin: germline.
Comment: Absent from controls (or at extremely low frequency if recessive) in Genome Aggregation Database.;Multiple lines of computational evidence support a deleterious effect on the gene or gene product.